The following is an entry in ClinVar:

ClinVar aggregate classification (germline): Likely benign. Review status: criteria provided, multiple submitters, no conflicts (2 of 4 stars). 2 submissions from 2 submitters: Likely benign (2). Last evaluated 2025-08-11.

Conditions:
NPC1-related disorder. Also called: NPC1-related condition.
Niemann-Pick disease, type C1. Also called: NEUROVISCERAL STORAGE DISEASE WITH VERTICAL SUPRANUCLEAR OPHTHALMOPLEGIA; NIEMANN-PICK DISEASE WITH CHOLESTEROL ESTERIFICATION BLOCK; NIEMANN-PICK DISEASE WITHOUT SPHINGOMYELINASE DEFICIENCY; NIEMANN-PICK DISEASE, CHRONIC NEURONOPATHIC FORM; NIEMANN-PICK DISEASE, VARIANT TYPE C1. Identifiers: Orphanet 646, MedGen C3179455, MONDO:0009757, OMIM 257220.

gnomAD v4.1: 13 of 1,329,792 alleles (0.00098%); highest among the groups gnomAD compares: South Asian, 0.006%; 1 homozygote.

Submissions (2):

PreventionGenetics, part of Exact Sciences
Classification: Likely benign for NPC1-related condition. Last evaluated: 2025-08-11. Review status: criteria provided, single submitter. Criteria: ACMG Guidelines, 2015. Collection method: clinical testing. Allele origin: germline.
Comment: This variant is classified as likely benign based on ACMG/AMP sequence variant interpretation guidelines (Richards et al. 2015 PMID: 25741868, with internal and published modifications).

Labcorp Genetics (formerly Invitae), Labcorp
Classification: Likely benign for Niemann-Pick disease, type C1. Last evaluated: 2024-02-11. Review status: criteria provided, single submitter. Criteria: Invitae Variant Classification Sherloc (09022015). Collection method: clinical testing. Allele origin: germline.

NM_000271.5(NPC1):c.1947+14G>C

Gene: NPC1 (NPC intracellular cholesterol transporter 1; minus strand). Cytogenetic location: 18q11.2.
Variant type: single nucleotide variant.
Coding change: c.1947+14G>C on transcript NM_000271.5 (MANE Select); 14 bases into the intron after coding-DNA position 1947, G replaced by C.
Molecular consequence: intron variant.
Genome position (GRCh38, 1-based): chr18:23,544,946, C>G on the plus strand (G>C on the coding strand, the complement: NPC1 is on the minus strand). VCF-style: chr18-23544946-C-G. GRCh37 (hg19) VCF-style: chr18-21124910-C-G.
Other names: c.1947+14G>C (NM_000271.4).
Identifiers: ClinVar variation 2199662 (VCV002199662.5), dbSNP rs3745024, ClinGen allele CA297060318.